The following is an entry in ClinVar:

NM_000642.3(AGL):c.2407A>G (p.Thr803Ala)

Gene: AGL (amylo-alpha-1,6-glucosidase and 4-alpha-glucanotransferase; plus strand). Cytogenetic location: 1p21.2.
Variant type: single nucleotide variant.
Coding change: c.2407A>G on transcript NM_000642.3 (MANE Select); coding-DNA position 2407, A replaced by G.
Protein change: p.Thr803Ala; replaces threonine 803 with alanine.
Molecular consequence: missense variant.
Genome position (GRCh38, 1-based): chr1:99,884,218, A>G. VCF-style: chr1-99884218-A-G. GRCh37 (hg19) VCF-style: chr1-100349774-A-G.
Other names: c.2407A>G, p.Thr803Ala (NM_000028.3, NM_000643.3, NM_000644.3 and 2 more transcripts); c.2359A>G, p.Thr787Ala (NM_000646.3); c.2206A>G, p.Thr736Ala (NM_001425327.1); c.2203A>G, p.Thr735Ala (NM_001425328.1, NM_001425329.1); c.2029A>G, p.Thr677Ala (NM_001425332.1); short protein forms T803A, T787A, T677A, T735A, T736A.
Identifiers: ClinVar variation 2137542 (VCV002137542.1), dbSNP rs148359033, ClinGen allele CA966784.
Genomic context (GRCh38, chr1:99,884,218, plus strand): 5'-GAGAGAAACACGAAACCTTATAGGAAGGATGAGAATTCAATCAATGGAACACCAGATATC[A>G]CAGTAGAAATTAGAGAACATATTCAGGTATTTGGGACTCTCATCTTACTACTGTGTTTAG-3'
Protein context (NP_000633.2, residues 793-813): ENSINGTPDI[Thr803Ala]VEIREHIQLN

ClinVar aggregate classification (germline): Uncertain significance (1 of 4 stars; one submission).

Conditions:
Glycogen storage disease type III (GSD3). Also called: Cori disease; FORBES DISEASE. Identifiers: Orphanet 366, MedGen C0017922, MONDO:0009291, OMIM 232400.

Allele frequency attached by ClinVar (database versions not stated): ExAC 0.00001; gnomAD exomes 0.00001; gnomAD 0.00002; TOPMed 0.00002; ESP Exome Variant Server 0.00015.
gnomAD v4.1: 7 of 1,613,232 alleles (0.00043%); highest among the groups gnomAD compares: African/African-American, 0.0067%; no homozygotes.

Submission:

Labcorp Genetics (formerly Invitae), Labcorp
Classification: Uncertain significance for Glycogen storage disease type III. Last evaluated: 2022-08-10. Review status: criteria provided, single submitter. Criteria: Invitae Variant Classification Sherloc (09022015). Collection method: clinical testing. Allele origin: germline.
Comment: This sequence change replaces threonine, which is neutral and polar, with alanine, which is neutral and non-polar, at codon 803 of the AGL protein (p.Thr803Ala). This variant is present in population databases (rs148359033, gnomAD 0.007%). This variant has not been reported in the literature in individuals affected with AGL-related conditions. Algorithms developed to predict the effect of missense changes on protein structure and function (SIFT, PolyPhen-2, Align-GVGD) all suggest that this variant is likely to be tolerated. In summary, the available evidence is currently insufficient to determine the role of this variant in disease. Therefore, it has been classified as a Variant of Uncertain Significance.